The following is an entry in ClinVar:

ClinVar aggregate classification (germline): Uncertain significance (1 of 4 stars; one submission).

Allele frequency attached by ClinVar (database versions not stated): gnomAD exomes 0.00001; ESP Exome Variant Server 0.00008.
gnomAD v4.1: 10 of 1,613,916 alleles (0.00062%); highest among the groups gnomAD compares: South Asian, 0.0011%; no homozygotes.

Submission:

Labcorp Genetics (formerly Invitae), Labcorp
Classification: Uncertain significance. Last evaluated: 2023-06-11. Review status: criteria provided, single submitter. Criteria: Invitae Variant Classification Sherloc (09022015). Collection method: clinical testing. Allele origin: germline.
Comment: This sequence change replaces arginine, which is basic and polar, with histidine, which is basic and polar, at codon 24 of the MMP9 protein (p.Arg24His). This variant is not present in population databases (gnomAD no frequency). This variant has not been reported in the literature in individuals affected with MMP9-related conditions. Advanced modeling of protein sequence and biophysical properties (such as structural, functional, and spatial information, amino acid conservation, physicochemical variation, residue mobility, and thermodynamic stability) performed at Invitae indicates that this missense variant is not expected to disrupt MMP9 protein function. In summary, the available evidence is currently insufficient to determine the role of this variant in disease. Therefore, it has been classified as a Variant of Uncertain Significance.

NM_004994.3(MMP9):c.71G>A (p.Arg24His)

Gene: MMP9 (matrix metallopeptidase 9; plus strand). Cytogenetic location: 20q13.12.
Variant type: single nucleotide variant.
Coding change: c.71G>A on transcript NM_004994.3 (MANE Select); coding-DNA position 71, G replaced by A.
Protein change: p.Arg24His; replaces arginine 24 with histidine.
Molecular consequence: missense variant.
Genome position (GRCh38, 1-based): chr20:46,008,997, G>A. VCF-style: chr20-46008997-G-A. GRCh37 (hg19) VCF-style: chr20-44637636-G-A.
Other names: short protein forms R24H.
Identifiers: ClinVar variation 3002195 (VCV003002195.3), dbSNP rs143089810, ClinGen allele CA315633399.